The following is an entry in ClinVar:

NM_002472.3(MYH8):c.430G>C (p.Ala144Pro)

Genes: MYH8 (myosin heavy chain 8; minus strand), MYHAS (myosin heavy chain gene cluster antisense RNA; plus strand). Cytogenetic location: 17p13.1.
Variant type: single nucleotide variant.
Coding change: c.430G>C on transcript NM_002472.3 (MANE Select); coding-DNA position 430, G replaced by C.
Protein change: p.Ala144Pro; replaces alanine 144 with proline.
Molecular consequence: missense variant.
Genome position (GRCh38, 1-based): chr17:10,418,726, C>G on the plus strand (G>C on the coding strand, the complement: MYH8 is on the minus strand). VCF-style: chr17-10418726-C-G. GRCh37 (hg19) VCF-style: chr17-10322043-C-G.
Other names: short protein forms A144P.
Identifiers: ClinVar variation 783772 (VCV000783772.8), dbSNP rs138262102, ClinGen allele CA8388377.
Genomic context (GRCh38, chr17:10,418,726, plus strand): 5'-CATTGTCAGAGATGGAGAAGATGTGGGGCGGGGCCTCCTGGCGCTTTTTGCCTCTGTAGG[C>G]AGCCACCACCTCGGGCTTGTACACCGGCAGCCACTTGTAGGGGTTGACGGTGACACAGAA-3'
Protein context (NP_002463.2, residues 134-154): LPVYKPEVVA[Ala144Pro]YRGKKRQEAP

ClinVar aggregate classification (germline): Benign/Likely benign. Review status: criteria provided, multiple submitters, no conflicts (2 of 4 stars). 3 submissions from 3 submitters: Benign (1); Likely benign (1). 1 of the submissions does not count toward it. Last evaluated 2021-06-10.

Conditions:
MYH8-related disorder. Also called: MYH8-related condition.

Allele frequency attached by ClinVar (database versions not stated): gnomAD exomes 0.00017; ExAC 0.00026; ESP Exome Variant Server 0.00038; gnomAD 0.00065 and 0.00073; 1000 Genomes Project 0.00080; TOPMed 0.00083; 1000 Genomes Project 30x 0.00094.
gnomAD v4.1: 176 of 1,613,912 alleles (0.011%); highest among the groups gnomAD compares: African/African-American, 0.21%; no homozygotes.

Submissions (3):

GeneDx
Classification: Benign. Last evaluated: 2021-06-10. Review status: criteria provided, single submitter. Criteria: GeneDx Variant Classification Process June 2021. Collection method: clinical testing. Allele origin: germline. Affected: yes.

Labcorp Genetics (formerly Invitae), Labcorp
Classification: Likely benign. Last evaluated: 2019-12-31. Review status: criteria provided, single submitter. Criteria: Invitae Variant Classification Sherloc (09022015). Collection method: clinical testing. Allele origin: germline.

PreventionGenetics, part of Exact Sciences
Classification: Likely benign for MYH8-related condition. Last evaluated: 2019-07-17. Review status: no assertion criteria provided. Collection method: clinical testing. Allele origin: germline. Not counted in ClinVar's aggregate classification.
Comment: This variant is classified as likely benign based on ACMG/AMP sequence variant interpretation guidelines (Richards et al. 2015 PMID: 25741868, with internal and published modifications).